The following is an entry in ClinVar:

NM_031935.3(HMCN1):c.12905-1G>A

Gene: HMCN1 (hemicentin 1; plus strand). Cytogenetic location: 1q31.1.
Variant type: single nucleotide variant.
Coding change: c.12905-1G>A on transcript NM_031935.3 (MANE Select); the canonical splice acceptor site of the intron before coding-DNA position 12905, G replaced by A.
Molecular consequence: splice acceptor variant.
Genome position (GRCh38, 1-based): chr1:186,129,965, G>A. VCF-style: chr1-186129965-G-A. GRCh37 (hg19) VCF-style: chr1-186099097-G-A.
Identifiers: ClinVar variation 2081873 (VCV002081873.4), dbSNP rs2528066216, ClinGen allele CA343906798.
Genomic context (GRCh38, chr1:186,129,965, plus strand): 5'-CTGTCGTGAAATTTTTCCTAGGTTACTGAGAGGCACTTGTGTTGTTTCTTGTTTCCCTCA[G>A]CCCACTTTGACAGTGTGAATGGACACAGTGAACTTGTTATTGAAAGAGTGTCAAAAGAGG-3'

ClinVar aggregate classification (germline): Uncertain significance (1 of 4 stars; one submission).

Submission:

Labcorp Genetics (formerly Invitae), Labcorp
Classification: Uncertain significance. Last evaluated: 2022-05-29. Review status: criteria provided, single submitter. Criteria: Invitae Variant Classification Sherloc (09022015). Collection method: clinical testing. Allele origin: germline.
Comment: In summary, the available evidence is currently insufficient to determine the role of this variant in disease. Therefore, it has been classified as a Variant of Uncertain Significance. Algorithms developed to predict the effect of sequence changes on RNA splicing suggest that this variant may disrupt the consensus splice site. This variant has not been reported in the literature in individuals affected with HMCN1-related conditions. This variant is not present in population databases (gnomAD no frequency). This sequence change affects an acceptor splice site in intron 83 of the HMCN1 gene. It is expected to disrupt RNA splicing. Variants that disrupt the donor or acceptor splice site typically lead to a loss of protein function (PMID: 16199547), however the current clinical and genetic evidence is not sufficient to establish whether loss-of-function variants in HMCN1 cause disease.

Literature cited by the submitters: PubMed 16199547.